The following is an entry in ClinVar:

ClinVar aggregate classification (germline): Likely benign. Review status: criteria provided, multiple submitters, no conflicts (2 of 4 stars). 2 submissions from 2 submitters: Likely benign (2). Last evaluated 2026-02-01.

Conditions:
ALG1-congenital disorder of glycosylation. Also called: ALG1-CDG; CONGENITAL DISORDER OF GLYCOSYLATION, TYPE Ik; CDG Ik. Identifiers: Orphanet 79327, MedGen C2931005, MONDO:0012052, OMIM 608540.

Allele frequency attached by ClinVar (database versions not stated): TOPMed 0.00005; gnomAD 0.00010.
gnomAD v4.1: 109 of 1,602,902 alleles (0.0068%); highest among the groups gnomAD compares: Middle Eastern, 0.022%; no homozygotes.

Submissions (2):

Labcorp Genetics (formerly Invitae), Labcorp
Classification: Likely benign for ALG1-congenital disorder of glycosylation. Last evaluated: 2026-02-01. Review status: criteria provided, single submitter. Criteria: Invitae Variant Classification Sherloc (09022015). Collection method: clinical testing. Allele origin: germline.

GeneDx
Classification: Likely benign. Last evaluated: 2016-03-02. Review status: criteria provided, single submitter. Criteria: GeneDx Variant Classification (06012015). Collection method: clinical testing. Allele origin: germline. Affected: yes.
Comment: This variant is considered likely benign or benign based on one or more of the following criteria: it is a conservative change, it occurs at a poorly conserved position in the protein, it is predicted to be benign by multiple in silico algorithms, and/or has population frequency not consistent with disease.

NM_019109.5(ALG1):c.863-15A>G

Gene: ALG1 (ALG1 chitobiosyldiphosphodolichol beta-mannosyltransferase; plus strand). Cytogenetic location: 16p13.3.
Variant type: single nucleotide variant.
Coding change: c.863-15A>G on transcript NM_019109.5 (MANE Select); 15 bases into the intron before coding-DNA position 863, A replaced by G.
Molecular consequence: intron variant.
Genome position (GRCh38, 1-based): chr16:5,079,049, A>G. VCF-style: chr16-5079049-A-G. GRCh37 (hg19) VCF-style: chr16-5129050-A-G.
Other names: c.530-15A>G (NM_001330504.2).
Identifiers: ClinVar variation 383621 (VCV000383621.8), dbSNP rs371947976, ClinGen allele CA7890063.